The following is an entry in ClinVar:

NM_000787.4(DBH):c.47G>A (p.Arg16Gln)

Gene: DBH (dopamine beta-hydroxylase; plus strand). Cytogenetic location: 9q34.2.
Variant type: single nucleotide variant.
Coding change: c.47G>A on transcript NM_000787.4 (MANE Select); coding-DNA position 47, G replaced by A.
Protein change: p.Arg16Gln; replaces arginine 16 with glutamine.
Molecular consequence: missense variant.
Genome position (GRCh38, 1-based): chr9:133,636,418, G>A. VCF-style: chr9-133636418-G-A. GRCh37 (hg19) VCF-style: chr9-136501540-G-A.
Other names: short protein forms R16Q.
Identifiers: ClinVar variation 1406642 (VCV001406642.3), dbSNP rs963604579, ClinGen allele CA200951555.
Genomic context (GRCh38, chr9:133,636,418, plus strand): 5'-AGCTCACCCCAGCCATGCCCGCCCTCAGTCGCTGGGCCAGCCTGCCCGGCCCCAGCATGC[G>A]GGAGGCAGCCTTCATGTACAGCACAGCAGTGGCCATCTTCCTGGTCATCCTGGTGGCCGC-3'
Protein context (NP_000778.3, residues 6-26): RWASLPGPSM[Arg16Gln]EAAFMYSTAV

ClinVar aggregate classification (germline): Uncertain significance (1 of 4 stars; one submission).

Conditions:
Orthostatic hypotension 1 (ORTHYP1). Also called: Dopamine beta-hydroxylase deficiency; Orthostatic hypotension 1, due to DBH deficiency; NORADRENALINE DEFICIENCY; NOREPINEPHRINE DEFICIENCY. Identifiers: Orphanet 230, MedGen C4746777, MONDO:0009123, OMIM 223360.

Allele frequency attached by ClinVar (database versions not stated): gnomAD exomes below 0.00001.

Submission:

Labcorp Genetics (formerly Invitae), Labcorp
Classification: Uncertain significance for Orthostatic hypotension 1. Last evaluated: 2022-02-19. Review status: criteria provided, single submitter. Criteria: Invitae Variant Classification Sherloc (09022015). Collection method: clinical testing. Allele origin: germline.
Comment: This sequence change replaces arginine, which is basic and polar, with glutamine, which is neutral and polar, at codon 16 of the DBH protein (p.Arg16Gln). This variant is not present in population databases (gnomAD no frequency). This variant has not been reported in the literature in individuals affected with DBH-related conditions. Algorithms developed to predict the effect of missense changes on protein structure and function (SIFT, PolyPhen-2, Align-GVGD) all suggest that this variant is likely to be tolerated. Algorithms developed to predict the effect of sequence changes on RNA splicing suggest that this variant may create or strengthen a splice site. In summary, the available evidence is currently insufficient to determine the role of this variant in disease. Therefore, it has been classified as a Variant of Uncertain Significance.